The following is an entry in ClinVar:

NM_003265.3(TLR3):c.293T>A (p.Leu98His)

Gene: TLR3 (toll like receptor 3; plus strand). Cytogenetic location: 4q35.1.
Variant type: single nucleotide variant.
Coding change: c.293T>A on transcript NM_003265.3 (MANE Select); coding-DNA position 293, T replaced by A.
Protein change: p.Leu98His; replaces leucine 98 with histidine.
Molecular consequence: missense variant.
Genome position (GRCh38, 1-based): chr4:186,076,912, T>A. VCF-style: chr4-186076912-T-A. GRCh37 (hg19) VCF-style: chr4-186998066-T-A.
Other names: short protein forms L98H.
Identifiers: ClinVar variation 1019053 (VCV001019053.9), dbSNP rs1450040301, ClinGen allele CA359107719.

ClinVar aggregate classification (germline): Uncertain significance (1 of 4 stars; one submission).

Conditions:
Encephalopathy, acute, infection-induced (herpes-specific), susceptibility to, 1. Also called: Herpes simplex encephalitis, susceptibility to, 1. Identifiers: Orphanet 1930, MedGen C2750180, MONDO:0024563, OMIM 610551.

Allele frequency attached by ClinVar (database versions not stated): gnomAD 0.00001; gnomAD exomes below 0.00001.
gnomAD v4.1: 2 of 1,614,068 alleles (0.00012%); highest among the groups gnomAD compares: Non-Finnish European, 0.00017%; no homozygotes.

Submission:

Labcorp Genetics (formerly Invitae), Labcorp
Classification: Uncertain significance for Encephalopathy, acute, infection-induced (herpes-specific), susceptibility to, 1. Last evaluated: 2023-12-19. Review status: criteria provided, single submitter. Criteria: Invitae Variant Classification Sherloc (09022015). Collection method: clinical testing. Allele origin: germline.
Comment: This sequence change replaces leucine, which is neutral and non-polar, with histidine, which is basic and polar, at codon 98 of the TLR3 protein (p.Leu98His). This variant is present in population databases (no rsID available, gnomAD 0.007%). This variant has not been reported in the literature in individuals affected with TLR3-related conditions. ClinVar contains an entry for this variant (Variation ID: 1019053). An algorithm developed to predict the effect of missense changes on protein structure and function (PolyPhen-2) suggests that this variant is likely to be disruptive. In summary, the available evidence is currently insufficient to determine the role of this variant in disease. Therefore, it has been classified as a Variant of Uncertain Significance.